The following is an entry in ClinVar:

NM_000181.4(GUSB):c.1253T>G (p.Phe418Cys)

Gene: GUSB (glucuronidase beta; minus strand). Cytogenetic location: 7q11.21.
Variant type: single nucleotide variant.
Coding change: c.1253T>G on transcript NM_000181.4 (MANE Select); coding-DNA position 1253, T replaced by G.
Protein change: p.Phe418Cys; replaces phenylalanine 418 with cysteine.
Molecular consequence: missense variant. On other transcripts: non-coding transcript variant (1).
Genome position (GRCh38, 1-based): chr7:65,974,433, A>C on the plus strand (T>G on the coding strand, the complement: GUSB is on the minus strand). VCF-style: chr7-65974433-A-C. GRCh37 (hg19) VCF-style: chr7-65439420-A-C.
Other names: c.815T>G, p.Phe272Cys (NM_001284290.2); c.683T>G, p.Phe228Cys (NM_001293104.2); c.596T>G, p.Phe199Cys (NM_001293105.2); short protein forms F418C, F272C, F199C, F228C.
Identifiers: ClinVar variation 161461 (VCV000161461.2), dbSNP rs193920810, ClinGen allele CA174080.

ClinVar aggregate classification (germline): Uncertain significance (0 of 4 stars; one submission).

Conditions:
Prostate cancer. Also called: Malignant tumor of prostate. Identifiers: Orphanet 1331, MedGen C0376358, MONDO:0008315, HP:0012125.

Submission:

Science for Life laboratory,  Karolinska Institutet
Classification: Uncertain significance for Malignant tumor of prostate. Review status: no assertion criteria provided. Collection method: not provided. Allele origin: somatic.
Comment: TumorID:SWE-12B
ClinVar note: Converted during submission from Unknown to Uncertain significance.